The following is an entry in ClinVar:

NM_004064.5(CDKN1B):c.436dup (p.Glu146fs)

Gene: CDKN1B (cyclin dependent kinase inhibitor 1B; plus strand). Cytogenetic location: 12p13.1.
Variant type: Duplication.
Coding change: c.436dup on transcript NM_004064.5 (MANE Select); coding-DNA position 436, one base duplicated (G; older notation c.436dupG).
Protein change: p.Glu146fs; shifts the reading frame from glutamic acid 146.
Molecular consequence: frameshift variant.
Genome position (GRCh38, 1-based): chr12:12,718,275, G duplicated; the last of 2 consecutive G bases (chr12:12,718,274-12,718,275); duplicating either gives the same sequence. VCF-style (leftmost placement, unchanged base first): chr12-12718273-C-CG. GRCh37 (hg19) VCF-style: chr12-12871207-C-CG.
Other names: short protein forms E146fs.
Identifiers: ClinVar variation 1740070 (VCV001740070.2), dbSNP rs2497405789, ClinGen allele CA2580085211.

ClinVar aggregate classification (germline): Uncertain significance (1 of 4 stars; one submission).

Conditions:
Hereditary cancer-predisposing syndrome. Also called: Hereditary Cancer Syndrome; Hereditary neoplastic syndrome; Neoplastic Syndromes, Hereditary; Tumor predisposition. Identifiers: Orphanet 140162, MedGen C0027672, MeSH D009386, MONDO:0015356.

Submission:

Ambry Genetics
Classification: Uncertain significance for Hereditary cancer-predisposing syndrome. Last evaluated: 2022-04-22. Review status: criteria provided, single submitter. Criteria: Ambry Variant Classification Scheme 2023. Collection method: clinical testing. Allele origin: germline.
Comment: The c.436dupG variant, located in coding exon 1 of the CDKN1B gene, results from a duplication of G at nucleotide position 436, causing a translational frameshift with a predicted alternate stop codon (p.E146Gfs*59). This alteration occurs at the 3' terminus of theCDKN1B gene, is not expected to trigger nonsense-mediated mRNAdecay, and only impacts the last 13 amino acids of the protein. The exact functional effect of this alteration is unknown. Since supporting evidence is limited at this time, the clinical significance of this alteration remains unclear.